The following is an entry in ClinVar:

NM_032043.3(BRIP1):c.1360G>T (p.Glu454Ter)

Gene: BRIP1 (BRCA1 interacting DNA helicase 1; minus strand). Cytogenetic location: 17q23.2.
Variant type: single nucleotide variant.
Coding change: c.1360G>T on transcript NM_032043.3 (MANE Select); coding-DNA position 1360, G replaced by T.
Protein change: p.Glu454Ter; replaces glutamic acid 454 with a stop codon.
Molecular consequence: nonsense.
Genome position (GRCh38, 1-based): chr17:61,793,710, C>A on the plus strand (G>T on the coding strand, the complement: BRIP1 is on the minus strand). VCF-style: chr17-61793710-C-A. GRCh37 (hg19) VCF-style: chr17-59871071-C-A.
Other names: short protein forms E454*.
Identifiers: ClinVar variation 548877 (VCV000548877.8), dbSNP rs1555605955, ClinGen allele CA400482282.

ClinVar aggregate classification (germline): Pathogenic/Likely pathogenic. Review status: criteria provided, multiple submitters, no conflicts (2 of 4 stars). 5 submissions from 5 submitters: Pathogenic (2); Likely pathogenic (2). 1 of the submissions does not count toward it. Last evaluated 2025-09-24.

Conditions:
Familial cancer of breast. Also called: BREAST CANCER, FAMILIAL; Hereditary breast cancer; hereditary breast carcinoma. Identifiers: Orphanet 227535, MedGen C0346153, MONDO:0016419, OMIM 114480. Disease mechanism: loss of function.
Fanconi anemia complementation group J. Also called: BRIP1-Related Fanconi Anemia. Identifiers: Orphanet 84, MedGen C1836860, MONDO:0012187, OMIM 609054.
Ovarian cancer. Also called: OVARIAN CANCER, SOMATIC. Identifiers: Orphanet 213500, MedGen C1140680, MONDO:0008170, OMIM 167000.
Hereditary cancer-predisposing syndrome. Also called: Neoplastic Syndromes, Hereditary; Hereditary neoplastic syndrome; Tumor predisposition; Hereditary Cancer Syndrome. Identifiers: Orphanet 140162, MedGen C0027672, MeSH D009386, MONDO:0015356.

Submissions (5):

Ambry Genetics
Classification: Pathogenic for Hereditary cancer-predisposing syndrome. Last evaluated: 2025-09-24. Review status: criteria provided, single submitter. Criteria: Ambry Variant Classification Scheme 2023. Collection method: clinical testing. Allele origin: germline.
Comment: The p.E454* pathogenic mutation (also known as c.1360G>T), located in coding exon 9 of the BRIP1 gene, results from a G to T substitution at nucleotide position 1360. This changes the amino acid from a glutamic acid to a stop codon within coding exon 9. This variant is considered to be rare based on population cohorts in the Genome Aggregation Database (gnomAD). This alteration is expected to result in loss of function by premature protein truncation or nonsense-mediated mRNA decay. As such, this alteration is interpreted as a disease-causing mutation.

GeneDx
Classification: Likely pathogenic. Last evaluated: 2023-03-03. Review status: criteria provided, single submitter. Criteria: GeneDx Variant Classification Process June 2021. Collection method: clinical testing. Allele origin: germline. Affected: yes.
Comment: Nonsense variant predicted to result in nonsense mediated decay in a gene for which loss of function is a known mechanism of disease; Not observed at significant frequency in large population cohorts (gnomAD); Has not been previously published as pathogenic or benign to our knowledge

Myriad Genetics, Inc.
Classification: Pathogenic for Familial cancer of breast. Last evaluated: 2023-02-27. Review status: criteria provided, single submitter. Criteria: Myriad Autosomal Dominant, Autosomal Recessive and X-Linked Classification Criteria (2023). Collection method: clinical testing. Allele origin: unknown.
Comment: This variant is considered pathogenic. This variant creates a termination codon and is predicted to result in premature protein truncation.

Baylor Genetics
Classification: Likely pathogenic for Familial cancer of breast. Last evaluated: 2021-04-12. Review status: criteria provided, single submitter. Criteria: ACMG Guidelines, 2015. Collection method: clinical testing. Allele origin: unknown.

Counsyl
Classification: Likely pathogenic for Fanconi anemia complementation group J; Ovarian cancer. Last evaluated: 2018-03-27. Review status: no assertion criteria provided. Collection method: clinical testing. Allele origin: unknown. Not counted in ClinVar's aggregate classification.